The following is an entry in ClinVar:

ClinVar aggregate classification (germline): Likely benign (0 of 4 stars; one submission).

Conditions:
GAA-related disorder. Also called: GAA-related condition.

Submission:

PreventionGenetics, part of Exact Sciences
Classification: Likely benign for GAA-related condition. Last evaluated: 2024-07-12. Review status: no assertion criteria provided. Collection method: clinical testing. Allele origin: germline.
Comment: This variant is classified as likely benign based on ACMG/AMP sequence variant interpretation guidelines (Richards et al. 2015 PMID: 25741868, with internal and published modifications).

NM_000152.5(GAA):c.-292C>A

Genes: GAA (alpha glucosidase; plus strand), LOC130061897 (ATAC-STARR-seq lymphoblastoid silent region 9099; plus strand). Cytogenetic location: 17q25.3.
Variant type: single nucleotide variant.
Coding change: c.-292C>A on transcript NM_000152.5 (MANE Select); 292 bases upstream of the start codon, C replaced by A.
Molecular consequence: 5 prime UTR variant. On other transcripts: intron variant (3).
Genome position (GRCh38, 1-based): chr17:80,101,631, C>A. VCF-style: chr17-80101631-C-A. GRCh37 (hg19) VCF-style: chr17-78075430-C-A.
Other names: c.-202C>A (NM_001406741.1); c.-148+6C>A (NM_001406742.1); c.-113+6C>A (NM_001079803.3); c.-33+6C>A (NM_001079804.3).
Identifiers: ClinVar variation 3344666 (VCV003344666.1).